The following is an entry in ClinVar:

NM_000722.4(CACNA2D1):c.149C>T (p.Thr50Ile)

Gene: CACNA2D1 (calcium voltage-gated channel auxiliary subunit alpha2delta 1; minus strand). Cytogenetic location: 7q21.11.
Variant type: single nucleotide variant.
Coding change: c.149C>T on transcript NM_000722.4 (MANE Select); coding-DNA position 149, C replaced by T.
Protein change: p.Thr50Ile; replaces threonine 50 with isoleucine.
Molecular consequence: missense variant.
Genome position (GRCh38, 1-based): chr7:82,349,596, G>A on the plus strand (C>T on the coding strand, the complement: CACNA2D1 is on the minus strand). VCF-style: chr7-82349596-G-A. GRCh37 (hg19) VCF-style: chr7-81978912-G-A.
Other names: c.149C>T, p.Thr50Ile (NM_001302890.2, NM_001366867.1); short protein forms T50I.
Identifiers: ClinVar variation 580961 (VCV000580961.11), dbSNP rs1477267428, ClinGen allele CA368018065.

ClinVar aggregate classification (germline): Uncertain significance. Review status: criteria provided, multiple submitters, no conflicts (2 of 4 stars). 2 submissions from 2 submitters: Uncertain significance (2). Last evaluated 2025-12-23.

Conditions:
Brugada syndrome. Also called: Sudden Unexplained Death Syndrome; Sudden Unexplained Nocturnal Death Syndrome (SUNDS); Sudden unexplained nocturnal death syndrome; Sudden unexpected nocturnal death syndrome. Identifiers: Orphanet 130, MedGen C1142166, MONDO:0015263.
Cardiovascular phenotype. Identifiers: MedGen CN230736.

Allele frequency attached by ClinVar (database versions not stated): gnomAD 0.00001; gnomAD exomes 0.00001 and 0.00002; TOPMed 0.00002.

Submissions (2):

Labcorp Genetics (formerly Invitae), Labcorp
Classification: Uncertain significance for Brugada syndrome. Last evaluated: 2025-12-23. Review status: criteria provided, single submitter. Criteria: Invitae Variant Classification Sherloc (09022015). Collection method: clinical testing. Allele origin: germline.
Comment: This sequence change replaces threonine, which is neutral and polar, with isoleucine, which is neutral and non-polar, at codon 50 of the CACNA2D1 protein (p.Thr50Ile). This variant is present in population databases (no rsID available, gnomAD 0.002%). This variant has not been reported in the literature in individuals affected with CACNA2D1-related conditions. ClinVar contains an entry for this variant (Variation ID: 580961). An algorithm developed to predict the effect of missense changes on protein structure and function (PolyPhen-2) suggests that this variant is likely to be disruptive. In summary, the available evidence is currently insufficient to determine the role of this variant in disease. Therefore, it has been classified as a Variant of Uncertain Significance.

Ambry Genetics
Classification: Uncertain significance for Cardiovascular phenotype. Last evaluated: 2025-05-03. Review status: criteria provided, single submitter. Criteria: Ambry Variant Classification Scheme 2023. Collection method: clinical testing. Allele origin: germline.
Comment: The p.T50I variant (also known as c.149C>T), located in coding exon 2 of the CACNA2D1 gene, results from a C to T substitution at nucleotide position 149. The threonine at codon 50 is replaced by isoleucine, an amino acid with similar properties. This amino acid position is highly conserved in available vertebrate species. In addition, the in silico prediction for this alteration is inconclusive. Since supporting evidence is limited at this time, the clinical significance of this alteration remains unclear.